The following is an entry in ClinVar:

ClinVar aggregate classification (germline): Uncertain significance (1 of 4 stars; one submission).

gnomAD v4.1: 1 of 1,612,906 alleles (0.000062%); highest among the groups gnomAD compares: Non-Finnish European, 0.000085%; no homozygotes.

Submission:

Dasa
Classification: Uncertain significance. Last evaluated: 2025-12-17. Review status: criteria provided, single submitter. Criteria: DASA Assertion Criteria. Collection method: clinical testing. Allele origin: germline.
Comment: NM_005862.3(STAG1):c.949G>A (p.Val317Ile) is a missense variant that results in the substitution of valine with isoleucine. The affected residue or protein region has prior evidence supporting clinical relevance. This variant is rare in population databases. Computational prediction algorithms are consistent with a benign effect. The currently available literature and clinical evidence are not sufficient to establish a definitive association between this variant and the reported condition. Therefore, this variant is classified as a variant of uncertain significance.

NM_005862.3(STAG1):c.949G>A (p.Val317Ile)

Gene: STAG1 (STAG1 cohesin complex component; minus strand). Cytogenetic location: 3q22.3.
Variant type: single nucleotide variant.
Coding change: c.949G>A on transcript NM_005862.3 (MANE Select); coding-DNA position 949, G replaced by A.
Protein change: p.Val317Ile; replaces valine 317 with isoleucine.
Molecular consequence: missense variant.
Genome position (GRCh38, 1-based): chr3:136,477,366, C>T on the plus strand (G>A on the coding strand, the complement: STAG1 is on the minus strand). VCF-style: chr3-136477366-C-T. GRCh37 (hg19) VCF-style: chr3-136196208-C-T.
Other names: short protein forms V317I.
Identifiers: ClinVar variation 4885422 (VCV004885422.2).
Genomic context (GRCh38, chr3:136,477,366, plus strand): 5'-AGCCAACATATTTTAGGTAACTGTCATTTAGGAAGGCATCACTATACATTTTCATCCATA[C>T]TCCAATTTCTTCAATACAAATGGCTCTAATCTCAGCAATAGCATCACTAGAGAGAGAAAA-3'
Protein context (NP_005853.2, residues 307-327): IRAICIEEIG[Val317Ile]WMKMYSDAFL